The following is an entry in ClinVar:

NM_001100913.3(PACS2):c.817C>G (p.Gln273Glu)

Gene: PACS2 (phosphofurin acidic cluster sorting protein 2; plus strand). Cytogenetic location: 14q32.33.
Variant type: single nucleotide variant.
Coding change: c.817C>G on transcript NM_001100913.3 (MANE Select); coding-DNA position 817, C replaced by G.
Protein change: p.Gln273Glu; replaces glutamine 273 with glutamic acid.
Molecular consequence: missense variant.
Genome position (GRCh38, 1-based): chr14:105,376,783, C>G. VCF-style: chr14-105376783-C-G. GRCh37 (hg19) VCF-style: chr14-105843120-C-G.
Other names: c.592C>G, p.Gln198Glu (NM_001243127.3); c.817C>G, p.Gln273Glu (NM_015197.4); short protein forms Q198E, Q273E.
Identifiers: ClinVar variation 1997140 (VCV001997140.4), dbSNP rs1231935589, ClinGen allele CA391178601.
Genomic context (GRCh38, chr14:105,376,783, plus strand): 5'-TGTGGGCTGCTGCAGGGAACTCACGCGTGCCTGGCACCCGTGCAGGTCCTGGACTCGGAG[C>G]AGGACCCTGCGGAGCACATCCCCGAGGCAGAGGAGGACCTGGACCTCCTGTATGACACCC-3'
Protein context (NP_001094383.2, residues 263-283): KVSDEVLDSE[Gln273Glu]DPAEHIPEAE

ClinVar aggregate classification (germline): Uncertain significance (1 of 4 stars; one submission).

Allele frequency attached by ClinVar (database versions not stated): gnomAD exomes below 0.00001; TOPMed below 0.00001; gnomAD 0.00001.
gnomAD v4.1: 7 of 1,612,828 alleles (0.00043%); highest among the groups gnomAD compares: Non-Finnish European, 0.00059%; no homozygotes.

Submission:

Labcorp Genetics (formerly Invitae), Labcorp
Classification: Uncertain significance. Last evaluated: 2022-05-20. Review status: criteria provided, single submitter. Criteria: Invitae Variant Classification Sherloc (09022015). Collection method: clinical testing. Allele origin: germline.
Comment: In summary, the available evidence is currently insufficient to determine the role of this variant in disease. Therefore, it has been classified as a Variant of Uncertain Significance. Algorithms developed to predict the effect of missense changes on protein structure and function are either unavailable or do not agree on the potential impact of this missense change (SIFT: "Tolerated"; PolyPhen-2: "Probably Damaging"; Align-GVGD: "Class C0"). This variant has not been reported in the literature in individuals affected with PACS2-related conditions. This variant is not present in population databases (gnomAD no frequency). This sequence change replaces glutamine, which is neutral and polar, with glutamic acid, which is acidic and polar, at codon 273 of the PACS2 protein (p.Gln273Glu).